The following is an entry in ClinVar:

NM_006662.3(SRCAP):c.4945C>G (p.Pro1649Ala)

Gene: SRCAP (Snf2 related CREBBP activator protein; plus strand). Cytogenetic location: 16p11.2.
Variant type: single nucleotide variant.
Coding change: c.4945C>G on transcript NM_006662.3 (MANE Select); coding-DNA position 4945, C replaced by G.
Protein change: p.Pro1649Ala; replaces proline 1649 with alanine.
Molecular consequence: missense variant.
Genome position (GRCh38, 1-based): chr16:30,724,369, C>G. VCF-style: chr16-30724369-C-G. GRCh37 (hg19) VCF-style: chr16-30735690-C-G.
Other names: short protein forms P1649A.
Identifiers: ClinVar variation 2981651 (VCV002981651.4), dbSNP rs770465640, ClinGen allele CA8011863.
Genomic context (GRCh38, chr16:30,724,369, plus strand): 5'-GTTCCAGTTATGGCTCCATCGTCTACTCCAGGAACCTCTTTAGCCTCAGCTTCACCGGTA[C>G]CAGCTCCAACCCCTGTGTTGGCTCCATCATCAACTCAAACTATGCTACCAGCCCCGGTTC-3'
Protein context (NP_006653.2, residues 1639-1659): GTSLASASPV[Pro1649Ala]APTPVLAPSS

ClinVar aggregate classification (germline): Uncertain significance. Review status: criteria provided, multiple submitters, no conflicts (2 of 4 stars). 2 submissions from 2 submitters: Uncertain significance (2). Last evaluated 2024-01-13.

Conditions:
Developmental delay, hypotonia, musculoskeletal defects, and behavioral abnormalities. Identifiers: MedGen C5562012, MONDO:0859202, OMIM 619595.
Floating-Harbor syndrome (FLHS). Also called: SRCAP-Related Floating-Harbor Syndrome; Short stature with delayed bone age, expressive language delay, a triangular face with a prominent nose and deep-set eyes; Pelletier-Leisti syndrome. Identifiers: Orphanet 2044, MedGen C0729582, MONDO:0007621, OMIM 136140.

Allele frequency attached by ClinVar (database versions not stated): ExAC 0.00001; TOPMed 0.00001; gnomAD 0.00002.
gnomAD v4.1: 18 of 1,614,082 alleles (0.0011%); highest among the groups gnomAD compares: Non-Finnish European, 0.0014%; no homozygotes.

Submissions (2):

Fulgent Genetics
Classification: Uncertain significance for Floating-Harbor syndrome; Developmental delay, hypotonia, musculoskeletal defects, and behavioral abnormalities. Last evaluated: 2024-01-13. Review status: criteria provided, single submitter. Criteria: ACMG Guidelines, 2015. Collection method: clinical testing. Allele origin: germline.

Labcorp Genetics (formerly Invitae), Labcorp
Classification: Uncertain significance. Last evaluated: 2023-09-23. Review status: criteria provided, single submitter. Criteria: Invitae Variant Classification Sherloc (09022015). Collection method: clinical testing. Allele origin: germline.
Comment: Advanced modeling of protein sequence and biophysical properties (such as structural, functional, and spatial information, amino acid conservation, physicochemical variation, residue mobility, and thermodynamic stability) performed at Invitae indicates that this missense variant is not expected to disrupt SRCAP protein function. In summary, the available evidence is currently insufficient to determine the role of this variant in disease. Therefore, it has been classified as a Variant of Uncertain Significance. This variant has not been reported in the literature in individuals affected with SRCAP-related conditions. This variant is present in population databases (rs770465640, gnomAD 0.002%). This sequence change replaces proline, which is neutral and non-polar, with alanine, which is neutral and non-polar, at codon 1649 of the SRCAP protein (p.Pro1649Ala).